The following is an entry in ClinVar:

NM_000051.4(ATM):c.6808-19T>C

Genes: ATM (ATM serine/threonine kinase; plus strand), C11orf65 (chromosome 11 open reading frame 65; minus strand). Cytogenetic location: 11q22.3.
Variant type: single nucleotide variant.
Coding change: c.6808-19T>C on transcript NM_000051.4 (MANE Select); 19 bases into the intron before coding-DNA position 6808, T replaced by C.
Molecular consequence: intron variant.
Genome position (GRCh38, 1-based): chr11:108,326,039, T>C. VCF-style: chr11-108326039-T-C. GRCh37 (hg19) VCF-style: chr11-108196766-T-C.
Other names: c.6808-19T>C (NM_001351834.2); c.641-16968A>G (NM_001330368.2); c.*38+9181A>G (NM_001351110.2).
Identifiers: ClinVar variation 3775012 (VCV003775012.1).

ClinVar aggregate classification (germline): Uncertain significance (1 of 4 stars; one submission).

Conditions:
Hereditary breast ovarian cancer syndrome. Also called: BRCA1- and BRCA2-Associated Hereditary Breast and Ovarian Cancer; Hereditary breast and ovarian cancer syndrome; Hereditary breast and ovarian cancer; Hereditary breast and ovarian cancer syndrome (HBOC); Breast and ovarian cancer; Hereditary breast and/or ovarian cancer syndrome. Identifiers: Orphanet 145, MedGen C0677776, MeSH D061325, MONDO:0003582. Disease mechanism: loss of function.

Submission:

German Consortium for Hereditary Breast and Ovarian Cancer, University Hospital Cologne
Classification: Uncertain significance for Hereditary breast ovarian cancer syndrome. Last evaluated: 2025-04-02. Review status: criteria provided, single submitter. Criteria: ClinGen ATM V1.3.0. Collection method: curation. Allele origin: germline.
Comment: According to the ClinGen ACMG ATM v1.3.0 criteria we chose these criteria: PM2 (supporting pathogenic): Absent from GnomAD v4.1.0 , BP4 (supporting benign): SpliceAI score ≤0.1